The following is an entry in ClinVar:

NM_016058.5(TPRKB):c.463G>A (p.Glu155Lys)

Gene: TPRKB (TP53RK binding protein; minus strand). Cytogenetic location: 2p13.1.
Variant type: single nucleotide variant.
Coding change: c.463G>A on transcript NM_016058.5 (MANE Select); coding-DNA position 463, G replaced by A.
Protein change: p.Glu155Lys; replaces glutamic acid 155 with lysine.
Molecular consequence: missense variant.
Genome position (GRCh38, 1-based): chr2:73,730,008, C>T on the plus strand (G>A on the coding strand, the complement: TPRKB is on the minus strand). VCF-style: chr2-73730008-C-T. GRCh37 (hg19) VCF-style: chr2-73957135-C-T.
Other names: c.580G>A, p.Glu194Lys (NM_001330386.2, NM_001330387.2); c.463G>A, p.Glu155Lys (NM_001330388.2, NM_001330389.2); c.409G>A, p.Glu137Lys (NM_001330390.2); c.364G>A, p.Glu122Lys (NM_001330391.2, NM_001330392.2); short protein forms E137K, E122K, E155K, E194K.
Identifiers: ClinVar variation 2014302 (VCV002014302.4), dbSNP rs2466036009, ClinGen allele CA347268657.

ClinVar aggregate classification (germline): Uncertain significance (1 of 4 stars; one submission).

Submission:

Labcorp Genetics (formerly Invitae), Labcorp
Classification: Uncertain significance. Last evaluated: 2022-07-06. Review status: criteria provided, single submitter. Criteria: Invitae Variant Classification Sherloc (09022015). Collection method: clinical testing. Allele origin: germline.
Comment: In summary, the available evidence is currently insufficient to determine the role of this variant in disease. Therefore, it has been classified as a Variant of Uncertain Significance. Algorithms developed to predict the effect of sequence changes on RNA splicing suggest that this variant may disrupt the consensus splice site. Algorithms developed to predict the effect of missense changes on protein structure and function are either unavailable or do not agree on the potential impact of this missense change (SIFT: "Tolerated"; PolyPhen-2: "Probably Damaging"; Align-GVGD: "Class C0"). This variant has not been reported in the literature in individuals affected with TPRKB-related conditions. This variant is not present in population databases (gnomAD no frequency). This sequence change replaces glutamic acid, which is acidic and polar, with lysine, which is basic and polar, at codon 155 of the TPRKB protein (p.Glu155Lys).